The following is an entry in ClinVar:

NM_006904.7(PRKDC):c.2801T>C (p.Leu934Ser)

Gene: PRKDC (protein kinase, DNA-activated, catalytic subunit; minus strand). Cytogenetic location: 8q11.21.
Variant type: single nucleotide variant.
Coding change: c.2801T>C on transcript NM_006904.7 (MANE Select); coding-DNA position 2801, T replaced by C.
Protein change: p.Leu934Ser; replaces leucine 934 with serine.
Molecular consequence: missense variant.
Genome position (GRCh38, 1-based): chr8:47,912,543, A>G on the plus strand (T>C on the coding strand, the complement: PRKDC is on the minus strand). VCF-style: chr8-47912543-A-G. GRCh37 (hg19) VCF-style: chr8-48825103-A-G.
Other names: c.2801T>C, p.Leu934Ser (NM_001081640.2); short protein forms L934S.
Identifiers: ClinVar variation 578599 (VCV000578599.9), dbSNP rs765339827, ClinGen allele CA4741361.

ClinVar aggregate classification (germline): Uncertain significance. Review status: criteria provided, multiple submitters, no conflicts (2 of 4 stars). 2 submissions from 2 submitters: Uncertain significance (2). Last evaluated 2023-03-05.

Conditions:
Severe combined immunodeficiency due to DNA-PKcs deficiency. Also called: IMMUNODEFICIENCY 26 WITH NEUROLOGIC ABNORMALITIES; Immunodeficiency 26 with or without neurologic abnormalities. Identifiers: Orphanet 317425, MedGen C4014833, MONDO:0014423, OMIM 615966.

Allele frequency attached by ClinVar (database versions not stated): gnomAD exomes below 0.00001; ExAC 0.00001.
gnomAD v4.1: 6 of 1,611,836 alleles (0.00037%); highest among the groups gnomAD compares: Non-Finnish European, 0.00051%; no homozygotes.

Submissions (2):

Ambry Genetics
Classification: Uncertain significance. Last evaluated: 2023-03-05. Review status: criteria provided, single submitter. Criteria: Ambry Variant Classification Scheme 2023. Collection method: clinical testing. Allele origin: germline.
Comment: The p.L934S variant (also known as c.2801T>C), located in coding exon 25 of the PRKDC gene, results from a T to C substitution at nucleotide position 2801. The leucine at codon 934 is replaced by serine, an amino acid with dissimilar properties. This amino acid position is conserved. In addition, this alteration is predicted to be deleterious by in silico analysis. Since supporting evidence is limited at this time, the clinical significance of this alteration remains unclear.

Labcorp Genetics (formerly Invitae), Labcorp
Classification: Uncertain significance for Severe combined immunodeficiency due to DNA-PKcs deficiency. Last evaluated: 2018-02-01. Review status: criteria provided, single submitter. Criteria: Invitae Variant Classification Sherloc (09022015). Collection method: clinical testing. Allele origin: germline.
Comment: This sequence change replaces leucine with serine at codon 934 of the PRKDC protein (p.Leu934Ser). The leucine residue is highly conserved and there is a large physicochemical difference between leucine and serine. This variant is present in population databases (rs765339827, ExAC 0.002%). This variant has not been reported in the literature in individuals with PRKDC-related disease. Algorithms developed to predict the effect of missense changes on protein structure and function do not agree on the potential impact of this missense change (SIFT: "Deleterious"; PolyPhen-2: "Probably Damaging"; Align-GVGD: "Class C0"). In summary, the available evidence is currently insufficient to determine the role of this variant in disease. Therefore, it has been classified as a Variant of Uncertain Significance.